The following is an entry in ClinVar:

ClinVar aggregate classification (germline): Likely benign. Review status: criteria provided, single submitter (1 of 4 stars). 2 submissions from 2 submitters: Likely benign (1). 1 of the submissions does not count toward it. Last evaluated 2025-12-09.

Conditions:
FAT4-related disorder. Also called: FAT4-related condition.

Allele frequency attached by ClinVar (database versions not stated): gnomAD exomes 0.00002; TOPMed 0.00003; ExAC 0.00004; gnomAD 0.00004; 1000 Genomes Project 30x 0.00047; 1000 Genomes Project 0.00060.
gnomAD v4.1: 33 of 1,614,160 alleles (0.002%); highest among the groups gnomAD compares: East Asian, 0.062%; no homozygotes.

Submissions (2):

Labcorp Genetics (formerly Invitae), Labcorp
Classification: Likely benign. Last evaluated: 2025-12-09. Review status: criteria provided, single submitter. Criteria: Invitae Variant Classification Sherloc (09022015). Collection method: clinical testing. Allele origin: germline.

PreventionGenetics, part of Exact Sciences
Classification: Likely benign for FAT4-related condition. Last evaluated: 2019-03-20. Review status: no assertion criteria provided. Collection method: clinical testing. Allele origin: germline. Not counted in ClinVar's aggregate classification.
Comment: This variant is classified as likely benign based on ACMG/AMP sequence variant interpretation guidelines (Richards et al. 2015 PMID: 25741868, with internal and published modifications).

NM_001291303.3(FAT4):c.14472A>G (p.Pro4824=)

Gene: FAT4 (FAT atypical cadherin 4; plus strand). Cytogenetic location: 4q28.1.
Variant type: single nucleotide variant.
Coding change: c.14472A>G on transcript NM_001291303.3 (MANE Select); coding-DNA position 14472, A replaced by G.
Protein change: p.Pro4824=; no amino-acid change (proline 4824 retained).
Molecular consequence: synonymous variant.
Genome position (GRCh38, 1-based): chr4:125,491,288, A>G. VCF-style: chr4-125491288-A-G. GRCh37 (hg19) VCF-style: chr4-126412443-A-G.
Other names: c.14466A>G (NM_024582.4); c.14469A>G, p.Pro4823= (NM_001291285.3); c.14466A>G, p.Pro4822= (NM_024582.6).
Identifiers: ClinVar variation 2182860 (VCV002182860.6), dbSNP rs201832398, ClinGen allele CA3074571.
Genomic context (GRCh38, chr4:125,491,288, plus strand): 5'-CCCAAGTATCTGCAGTGCAGACCATGGGAGGTCTTCTTCAGAGGAGGACTGCAGAAGGCC[A>G]CTGTCTAGAACAAGGAATCCAGCGGATGGCATTCCAGCTCCAGAATCCTCTTCTGATAGT-3'
Protein context (NP_001278232.1, residues 4814-4834): RSSSEEDCRR[Pro4824=]LSRTRNPADG